The following is an entry in ClinVar:

NM_001008537.3(NEXMIF):c.4325C>A (p.Pro1442Gln)

Gene: NEXMIF (neurite extension and migration factor; minus strand). Cytogenetic location: Xq13.3.
Variant type: single nucleotide variant.
Coding change: c.4325C>A on transcript NM_001008537.3 (MANE Select); coding-DNA position 4325, C replaced by A.
Protein change: p.Pro1442Gln; replaces proline 1442 with glutamine.
Molecular consequence: missense variant.
Genome position (GRCh38, 1-based): chrX:74,740,232, G>T on the plus strand (C>A on the coding strand, the complement: NEXMIF is on the minus strand). VCF-style: chrX-74740232-G-T. GRCh37 (hg19) VCF-style: chrX-73960067-G-T.
Other names: short protein forms P1442Q.
Identifiers: ClinVar variation 2857486 (VCV002857486.3), dbSNP rs370429318, ClinGen allele CA10454845.

ClinVar aggregate classification (germline): Uncertain significance (1 of 4 stars; one submission).

gnomAD v4.1: 6 of 1,211,028 alleles (0.0005%); highest among the groups gnomAD compares: Non-Finnish European, 0.00067%; no homozygotes.

Submission:

Labcorp Genetics (formerly Invitae), Labcorp
Classification: Uncertain significance. Last evaluated: 2024-04-22. Review status: criteria provided, single submitter. Criteria: Invitae Variant Classification Sherloc (09022015). Collection method: clinical testing. Allele origin: germline.
Comment: This sequence change replaces proline, which is neutral and non-polar, with glutamine, which is neutral and polar, at codon 1442 of the NEXMIF protein (p.Pro1442Gln). This variant is present in population databases (rs370429318, gnomAD 0.004%). This variant has not been reported in the literature in individuals affected with NEXMIF-related conditions. An algorithm developed to predict the effect of missense changes on protein structure and function (PolyPhen-2) suggests that this variant is likely to be disruptive. In summary, the available evidence is currently insufficient to determine the role of this variant in disease. Therefore, it has been classified as a Variant of Uncertain Significance.